The following is an entry in ClinVar:

NM_020297.4(ABCC9):c.1463C>G (p.Ser488Cys)

Gene: ABCC9 (ATP binding cassette subfamily C member 9; minus strand). Cytogenetic location: 12p12.1.
Variant type: single nucleotide variant.
Coding change: c.1463C>G on transcript NM_020297.4 (MANE Select); coding-DNA position 1463, C replaced by G.
Protein change: p.Ser488Cys; replaces serine 488 with cysteine.
Molecular consequence: missense variant.
Genome position (GRCh38, 1-based): chr12:21,906,281, G>C on the plus strand (C>G on the coding strand, the complement: ABCC9 is on the minus strand). VCF-style: chr12-21906281-G-C. GRCh37 (hg19) VCF-style: chr12-22059215-G-C.
Other names: c.1463C>G, p.Ser488Cys (NM_001377273.1, NM_005691.4); c.599C>G, p.Ser200Cys (NM_001377274.1); short protein forms S488C, S200C.
Identifiers: ClinVar variation 2752219 (VCV002752219.3), dbSNP rs2541629371, ClinGen allele CA384139544.

ClinVar aggregate classification (germline): Uncertain significance (1 of 4 stars; one submission).

Conditions:
Dilated cardiomyopathy 1O (CMD1O). Also called: CARDIOMYOPATHY, DILATED, WITH VENTRICULAR TACHYCARDIA. Identifiers: Orphanet 154, MedGen C1837839, MONDO:0012062, OMIM 608569.

Submission:

Labcorp Genetics (formerly Invitae), Labcorp
Classification: Uncertain significance for Dilated cardiomyopathy 1O. Last evaluated: 2023-08-11. Review status: criteria provided, single submitter. Criteria: Invitae Variant Classification Sherloc (09022015). Collection method: clinical testing. Allele origin: germline.
Comment: This variant has not been reported in the literature in individuals affected with ABCC9-related conditions. In summary, the available evidence is currently insufficient to determine the role of this variant in disease. Therefore, it has been classified as a Variant of Uncertain Significance. Advanced modeling of protein sequence and biophysical properties (such as structural, functional, and spatial information, amino acid conservation, physicochemical variation, residue mobility, and thermodynamic stability) performed at Invitae indicates that this missense variant is expected to disrupt ABCC9 protein function. This variant is not present in population databases (gnomAD no frequency). This sequence change replaces serine, which is neutral and polar, with cysteine, which is neutral and slightly polar, at codon 488 of the ABCC9 protein (p.Ser488Cys).